The following is an entry in ClinVar:

NM_183381.3(RNF13):c.1011A>C (p.Glu337Asp)

Gene: RNF13 (ring finger protein 13; plus strand). Cytogenetic location: 3q25.1.
Variant type: single nucleotide variant.
Coding change: c.1011A>C on transcript NM_183381.3 (MANE Select); coding-DNA position 1011, A replaced by C.
Protein change: p.Glu337Asp; replaces glutamic acid 337 with aspartic acid.
Molecular consequence: missense variant. On other transcripts: non-coding transcript variant (1).
Genome position (GRCh38, 1-based): chr3:149,960,969, A>C. VCF-style: chr3-149960969-A-C. GRCh37 (hg19) VCF-style: chr3-149678756-A-C.
Other names: c.1011A>C, p.Glu337Asp (NM_001378285.1, NM_001378286.1, NM_007282.4); c.654A>C, p.Glu218Asp (NM_001378287.1, NM_001378288.1, NM_001378289.1 and 2 more transcripts); c.618A>C, p.Glu206Asp (NM_001378291.1); short protein forms E218D, E206D, E337D.
Identifiers: ClinVar variation 3672020 (VCV003672020.2).

ClinVar aggregate classification (germline): Uncertain significance (1 of 4 stars; one submission).

gnomAD v4.1: 1 of 1,614,246 alleles (0.000062%); highest among the groups gnomAD compares: Non-Finnish European, 0.000085%; no homozygotes.

Submission:

Labcorp Genetics (formerly Invitae), Labcorp
Classification: Uncertain significance. Last evaluated: 2024-02-15. Review status: criteria provided, single submitter. Criteria: Invitae Variant Classification Sherloc (09022015). Collection method: clinical testing. Allele origin: germline.
Comment: This sequence change replaces glutamic acid, which is acidic and polar, with aspartic acid, which is acidic and polar, at codon 337 of the RNF13 protein (p.Glu337Asp). This variant is not present in population databases (gnomAD no frequency). This variant has not been reported in the literature in individuals affected with RNF13-related conditions. An algorithm developed to predict the effect of missense changes on protein structure and function (PolyPhen-2) suggests that this variant is likely to be disruptive. In summary, the available evidence is currently insufficient to determine the role of this variant in disease. Therefore, it has been classified as a Variant of Uncertain Significance.